The following is an entry in ClinVar:

ClinVar aggregate classification (germline): Uncertain significance (1 of 4 stars; one submission).

Conditions:
Osteogenesis imperfecta type 8 (OI8). Identifiers: MedGen C1970458, MONDO:0012581, OMIM 610915.

Allele frequency attached by ClinVar (database versions not stated): gnomAD exomes 0.00001; TOPMed 0.00002.
gnomAD v4.1: 23 of 1,614,052 alleles (0.0014%); highest among the groups gnomAD compares: Non-Finnish European, 0.0019%; no homozygotes.

Submission:

Labcorp Genetics (formerly Invitae), Labcorp
Classification: Uncertain significance for Osteogenesis imperfecta type 8. Last evaluated: 2021-08-27. Review status: criteria provided, single submitter. Criteria: Invitae Variant Classification Sherloc (09022015). Collection method: clinical testing. Allele origin: germline.
Comment: This sequence change replaces tyrosine with cysteine at codon 327 of the P3H1 protein (p.Tyr327Cys). The tyrosine residue is highly conserved and there is a large physicochemical difference between tyrosine and cysteine. This variant is not present in population databases (ExAC no frequency). This variant has not been reported in the literature in individuals affected with P3H1-related conditions. Algorithms developed to predict the effect of missense changes on protein structure and function (SIFT, PolyPhen-2, Align-GVGD) all suggest that this variant is likely to be disruptive. In summary, the available evidence is currently insufficient to determine the role of this variant in disease. Therefore, it has been classified as a Variant of Uncertain Significance.

NM_022356.4(P3H1):c.980A>G (p.Tyr327Cys)

Gene: P3H1 (prolyl 3-hydroxylase 1; minus strand). Cytogenetic location: 1p34.2.
Variant type: single nucleotide variant.
Coding change: c.980A>G on transcript NM_022356.4 (MANE Select); coding-DNA position 980, A replaced by G.
Protein change: p.Tyr327Cys; replaces tyrosine 327 with cysteine.
Molecular consequence: missense variant.
Genome position (GRCh38, 1-based): chr1:42,757,883, T>C on the plus strand (A>G on the coding strand, the complement: P3H1 is on the minus strand). VCF-style: chr1-42757883-T-C. GRCh37 (hg19) VCF-style: chr1-43223554-T-C.
Other names: c.980A>G, p.Tyr327Cys (NM_001146289.2, NM_001243246.2); short protein forms Y327C.
Identifiers: ClinVar variation 941457 (VCV000941457.7), dbSNP rs1454717997, ClinGen allele CA339959029.